The following is an entry in ClinVar:

NM_001166108.2(PALLD):c.1965-12918A>T

Gene: PALLD (palladin, cytoskeletal associated protein; plus strand). Cytogenetic location: 4q32.3.
Variant type: single nucleotide variant.
Coding change: c.1965-12918A>T on transcript NM_001166108.2 (MANE Select); 12918 bases into the intron before coding-DNA position 1965, A replaced by T.
Molecular consequence: intron variant. On other transcripts: missense variant (1).
Genome position (GRCh38, 1-based): chr4:168,878,004, A>T. VCF-style: chr4-168878004-A-T. GRCh37 (hg19) VCF-style: chr4-169799155-A-T.
Other names: c.113A>T, p.His38Leu (NM_001166110.2); c.1965-12918A>T (NM_016081.4); c.819-12918A>T (NM_001166109.2); c.-157-12918A>T (NM_001367570.1, NM_001367568.1, NM_001367567.1 and 1 more transcripts); c.113A>T (NM_001166110.1); short protein forms H38L.
Identifiers: ClinVar variation 2104817 (VCV002104817.5), dbSNP rs888513189, ClinGen allele CA358795063.

ClinVar aggregate classification (germline): Uncertain significance. Review status: criteria provided, multiple submitters, no conflicts (2 of 4 stars). 2 submissions from 2 submitters: Uncertain significance (2). Last evaluated 2026-08-31.

Conditions:
Pancreatic adenocarcinoma. Identifiers: MedGen C0281361, MONDO:0006047, HP:0006725.

Submissions (2):

Ambry Genetics
Classification: Uncertain significance. Last evaluated: 2026-08-31. Review status: criteria provided, single submitter. Criteria: Ambry Variant Classification Scheme 2023. Collection method: clinical testing. Allele origin: germline.
Comment: The p.H38L variant (also known as c.113A>T), located in coding exon 1 of the PALLD gene, results from an A to T substitution at nucleotide position 113. The histidine at codon 38 is replaced by leucine, an amino acid with similar properties. This amino acid position is conserved. In addition, this alteration is predicted to be tolerated by in silico analysis. Based on the available evidence, the clinical significance of this variant remains unclear.

Labcorp Genetics (formerly Invitae), Labcorp
Classification: Uncertain significance for Pancreatic adenocarcinoma. Last evaluated: 2022-02-28. Review status: criteria provided, single submitter. Criteria: Invitae Variant Classification Sherloc (09022015). Collection method: clinical testing. Allele origin: germline.
Comment: In summary, the available evidence is currently insufficient to determine the role of this variant in disease. Therefore, it has been classified as a Variant of Uncertain Significance. Algorithms developed to predict the effect of missense changes on protein structure and function (SIFT, PolyPhen-2, Align-GVGD) all suggest that this variant is likely to be tolerated. This variant has not been reported in the literature in individuals affected with PALLD-related conditions. This variant is not present in population databases (gnomAD no frequency). This sequence change replaces histidine, which is basic and polar, with leucine, which is neutral and non-polar, at codon 38 of the PALLD protein (p.His38Leu).